The following is an entry in ClinVar:

NM_005267.5(GJA8):c.184G>A (p.Glu62Lys)

Gene: GJA8 (gap junction protein alpha 8; plus strand). Cytogenetic location: 1q21.2.
Variant type: single nucleotide variant.
Coding change: c.184G>A on transcript NM_005267.5 (MANE Select); coding-DNA position 184, G replaced by A.
Protein change: p.Glu62Lys; replaces glutamic acid 62 with lysine.
Molecular consequence: missense variant.
Genome position (GRCh38, 1-based): chr1:147,908,139, G>A. VCF-style: chr1-147908139-G-A. GRCh37 (hg19) VCF-style: chr1-147380266-G-A.
Other names: short protein forms E62K.
Identifiers: ClinVar variation 1333656 (VCV001333656.9), dbSNP rs2149015470, ClinGen allele CA342223450.

ClinVar aggregate classification (germline): Uncertain significance. Review status: criteria provided, multiple submitters, no conflicts (2 of 4 stars). 4 submissions from 4 submitters: Uncertain significance (4). Last evaluated 2023-05-18.

Conditions:
Cataract 1 multiple types. Also called: CATARACT 1, NUCLEAR PROGRESSIVE; CATARACT 1 WITH MICROCORNEA; CATARACT 1, POSTERIOR SUBCAPSULAR, WITH MICROCORNEA; CATARACT 1, STELLATE NUCLEAR, WITH MICROCORNEA; CATARACT 1, MULTIPLE TYPES, WITH OR WITHOUT MICROCORNEA; CATARACT, DUFFY-LINKED. Identifiers: Orphanet 1377, MedGen C1861828, MONDO:0007285, OMIM 116200.

Submissions (4):

Laboratorio de Genetica e Diagnostico Molecular, Hospital Israelita Albert Einstein
Classification: Uncertain significance for Cataract 1 multiple types. Last evaluated: 2023-05-18. Review status: criteria provided, single submitter. Criteria: ACMG Guidelines, 2015. Collection method: clinical testing. Allele origin: germline. Affected: yes.
Comment: ACMG classification criteria: PM2 moderate, PP3 supporting

Labcorp Genetics (formerly Invitae), Labcorp
Classification: Uncertain significance for Cataract 1 multiple types. Last evaluated: 2022-05-19. Review status: criteria provided, single submitter. Criteria: Invitae Variant Classification Sherloc (09022015). Collection method: clinical testing. Allele origin: germline.
Comment: Algorithms developed to predict the effect of missense changes on protein structure and function (SIFT, PolyPhen-2, Align-GVGD) all suggest that this variant is likely to be tolerated. ClinVar contains an entry for this variant (Variation ID: 1333656). This variant has not been reported in the literature in individuals affected with GJA8-related conditions. This variant is not present in population databases (gnomAD no frequency). This sequence change replaces glutamic acid, which is acidic and polar, with lysine, which is basic and polar, at codon 62 of the GJA8 protein (p.Glu62Lys). In summary, the available evidence is currently insufficient to determine the role of this variant in disease. Therefore, it has been classified as a Variant of Uncertain Significance.

Blueprint Genetics
Classification: Uncertain significance. Last evaluated: 2022-05-12. Review status: criteria provided, single submitter. Criteria: ACMG Guidelines, 2015. Collection method: clinical testing. Allele origin: germline.

3billion
Classification: Uncertain significance for Cataract 1 multiple types. Last evaluated: 2022-01-03. Review status: criteria provided, single submitter. Criteria: ACMG Guidelines, 2015. Collection method: clinical testing. Allele origin: germline. Affected: yes. Observed: 1 heterozygote.
Comment: The variant is not observed in the gnomAD v2.1.1 dataset (PM2_M). In silico tool predictions suggest damaging effect of the variant on gene or gene product (REVEL: 0.82, PP3_P). A missense variant is a common mechanism associated with Cataract 1 (PP2_P). Therefore, this variant is classified as uncertain significance according to the recommendation of ACMG/AMP guideline.